The following is an entry in ClinVar:

ClinVar aggregate classification (germline): Likely benign (1 of 4 stars; one submission).

Allele frequency attached by ClinVar (database versions not stated): 1000 Genomes Project 0.00100; 1000 Genomes Project 30x 0.00109; ESP Exome Variant Server 0.00156; gnomAD 0.00185; TOPMed 0.00187; ExAC 0.00257.
gnomAD v4.1: 4,808 of 1,599,054 alleles (0.3%); highest among the groups gnomAD compares: Non-Finnish European, 0.37%; 8 homozygotes.

Submission:

CeGaT Center for Human Genetics Tuebingen
Classification: Likely benign. Last evaluated: 2023-05-01. Review status: criteria provided, single submitter. Criteria: CeGaT Center For Human Genetics Tuebingen Variant Classification Criteria Version 2. Collection method: clinical testing. Allele origin: germline. Affected: yes. Observed: 1 variant allele.
Comment: HOXB7: BP4, BP7, BS2

NM_004502.4(HOXB7):c.144C>G (p.Gly48=)

Gene: HOXB7 (homeobox B7; minus strand). Cytogenetic location: 17q21.32.
Variant type: single nucleotide variant.
Coding change: c.144C>G on transcript NM_004502.4 (MANE Select); coding-DNA position 144, C replaced by G.
Protein change: p.Gly48=; no amino-acid change (glycine 48 retained).
Molecular consequence: synonymous variant.
Genome position (GRCh38, 1-based): chr17:48,610,775, G>C on the plus strand (C>G on the coding strand, the complement: HOXB7 is on the minus strand). VCF-style: chr17-48610775-G-C. GRCh37 (hg19) VCF-style: chr17-46688137-G-C.
Identifiers: ClinVar variation 2647884 (VCV002647884.24), dbSNP rs35272692, ClinGen allele CA8633384.
Genomic context (GRCh38, chr17:48,610,775, plus strand): 5'-CTGGCCCGCCATGCCCCCCCCGCCGGGGTACAAGCCCTGCATCGAGGCGGCGAAGGAAGC[G>C]CCCGAACCCGCTCCATAGCCCGGGCGCTGGGGGTTGGAAGCAAACGCACAAGAAGTTTGT-3'
Protein context (NP_004493.3, residues 38-58): PQRPGYGAGS[Gly48=]ASFAASMQGL